The following is an entry in ClinVar:

ClinVar aggregate classification (germline): Uncertain significance (1 of 4 stars; one submission).

Allele frequency attached by ClinVar (database versions not stated): gnomAD exomes 0.00001.
gnomAD v4.1: 6 of 1,394,938 alleles (0.00043%); highest among the groups gnomAD compares: Non-Finnish European, 0.00055%; no homozygotes.

Submission:

Labcorp Genetics (formerly Invitae), Labcorp
Classification: Uncertain significance. Last evaluated: 2025-03-17. Review status: criteria provided, single submitter. Criteria: Invitae Variant Classification Sherloc (09022015). Collection method: clinical testing. Allele origin: germline.
Comment: This sequence change falls in intron 10 of the SAMD11 gene. It does not directly change the encoded amino acid sequence of the SAMD11 protein. It affects a nucleotide within the consensus splice site. This variant is not present in population databases (gnomAD no frequency). This variant has not been reported in the literature in individuals affected with SAMD11-related conditions. ClinVar contains an entry for this variant (Variation ID: 998506). Variants that disrupt the consensus splice site are a relatively common cause of aberrant splicing (PMID: 17576681, 9536098). Algorithms developed to predict the effect of sequence changes on RNA splicing suggest that this variant is not likely to affect RNA splicing. In summary, the available evidence is currently insufficient to determine the role of this variant in disease. Therefore, it has been classified as a Variant of Uncertain Significance.

Literature cited by the submitters: PubMed 17576681; PubMed 9536098.

NM_001385641.1(SAMD11):c.1554-3C>T

Gene: SAMD11 (sterile alpha motif domain containing 11; plus strand). Cytogenetic location: 1p36.33.
Variant type: single nucleotide variant.
Coding change: c.1554-3C>T on transcript NM_001385641.1 (MANE Select); 3 bases into the intron before coding-DNA position 1554, C replaced by T.
Molecular consequence: intron variant.
Genome position (GRCh38, 1-based): chr1:942,556, C>T. VCF-style: chr1-942556-C-T. GRCh37 (hg19) VCF-style: chr1-877936-C-T.
Other names: c.1557-3C>T (NM_001385640.1); c.1065-3C>T (NM_152486.4).
Identifiers: ClinVar variation 998506 (VCV000998506.6), dbSNP rs572670330, ClinGen allele CA520630543.